The following is an entry in ClinVar:

ClinVar aggregate classification (germline): Benign/Likely benign. Review status: criteria provided, multiple submitters, no conflicts (2 of 4 stars). 4 submissions from 3 submitters: Benign (1); Likely benign (3). Last evaluated 2019-06-15.

Conditions:
Hypertrophic cardiomyopathy 11. Also called: ACTC1-Related Familial Hypertrophic Cardiomyopathy. Identifiers: MedGen C2677506, MONDO:0012799, OMIM 612098.
Dilated cardiomyopathy 1R (CMD1R). Identifiers: Orphanet 154, Orphanet 54260, MedGen C3150681, MONDO:0013261, OMIM 613424.

Allele frequency attached by ClinVar (database versions not stated): TOPMed 0.03962; 1000 Genomes Project 0.01857; 1000 Genomes Project 30x 0.01936; gnomAD 0.04173 and 0.04304.

Submissions (4):

GeneDx
Classification: Benign. Last evaluated: 2019-06-15. Review status: criteria provided, single submitter. Criteria: GeneDx Variant Classification Process June 2021. Collection method: clinical testing. Allele origin: germline. Affected: yes.

Illumina Laboratory Services, Illumina
Classification: Likely benign for Hypertrophic cardiomyopathy 11. Last evaluated: 2018-01-13. Review status: criteria provided, single submitter. Criteria: ICSL Variant Classification Criteria 13 December 2019. Collection method: clinical testing. Allele origin: germline.
Comment: This variant was observed in the ICSL laboratory as part of a predisposition screen in an ostensibly healthy population. It had not been previously curated by ICSL or reported in the Human Gene Mutation Database (HGMD: prior to June 1st, 2018), and was therefore a candidate for classification through an automated scoring system. Utilizing variant allele frequency, disease prevalence and penetrance estimates, and inheritance mode, an automated score was calculated to assess if this variant is too frequent to cause the disease. Based on the score and internal cut-off values, a variant classified as likely benign is not then subjected to further curation. The score for this variant resulted in a classification of likely benign for this disease.

Illumina Laboratory Services, Illumina
Classification: Likely benign for Dilated cardiomyopathy 1R. Last evaluated: 2018-01-13. Review status: criteria provided, single submitter. Criteria: ICSL Variant Classification Criteria 13 December 2019. Collection method: clinical testing. Allele origin: germline.
Comment: the same text as in the submission from Illumina Laboratory Services, Illumina above.

Breakthrough Genomics
Classification: Likely benign. Review status: criteria provided, single submitter. Criteria: ACMG Guidelines, 2015. Collection method: not provided. Allele origin: germline. Inheritance: Autosomal dominant inheritance. Affected: yes.

NM_005159.4(ACTC1):c.*1674C>T

Genes: GJD2-DT (GJD2 divergent transcript; plus strand), ACTC1 (actin alpha cardiac muscle 1; minus strand). Cytogenetic location: 15q14.
Variant type: single nucleotide variant.
Coding change: c.*1674C>T on transcript NM_005159.4; 1674 bases downstream of the stop codon, C replaced by T.
Genome position (GRCh38, 1-based): chr15:34,788,738, G>A on the plus strand (C>T on the coding strand, the complement: ACTC1 is on the minus strand). VCF-style: chr15-34788738-G-A. GRCh37 (hg19) VCF-style: chr15-35080939-G-A.
Identifiers: ClinVar variation 315654 (VCV000315654.9), dbSNP rs112660730, ClinGen allele CA10635848.